The following is an entry in ClinVar:

NM_005228.5(EGFR):c.3542C>A (p.Ala1181Asp)

Gene: EGFR (epidermal growth factor receptor; plus strand). Cytogenetic location: 7p11.2.
Variant type: single nucleotide variant.
Coding change: c.3542C>A on transcript NM_005228.5 (MANE Select); coding-DNA position 3542, C replaced by A.
Protein change: p.Ala1181Asp; replaces alanine 1181 with aspartic acid.
Molecular consequence: missense variant.
Genome position (GRCh38, 1-based): chr7:55,205,526, C>A. VCF-style: chr7-55205526-C-A. GRCh37 (hg19) VCF-style: chr7-55273219-C-A.
Other names: c.3407C>A, p.Ala1136Asp (NM_001346899.2); c.3383C>A, p.Ala1128Asp (NM_001346900.2); c.2741C>A, p.Ala914Asp (NM_001346941.2); short protein forms A1136D, A1181D, A914D, A1128D.
Identifiers: ClinVar variation 5035788 (VCV005035788.1).
Genomic context (GRCh38, chr7:55,205,526, plus strand): 5'-GCAGCCACCAAATTAGCCTGGACAACCCTGACTACCAGCAGGACTTCTTTCCCAAGGAAG[C>A]CAAGCCAAATGGCATCTTTAAGGGCTCCACAGCTGAAAATGCAGAATACCTAAGGGTCGC-3'
Protein context (NP_005219.2, residues 1171-1191): DYQQDFFPKE[Ala1181Asp]KPNGIFKGST

ClinVar aggregate classification (germline): Uncertain significance (1 of 4 stars; one submission).

Conditions:
Hereditary cancer-predisposing syndrome. Also called: Hereditary Cancer Syndrome; Neoplastic Syndromes, Hereditary; Tumor predisposition; Hereditary neoplastic syndrome. Identifiers: Orphanet 140162, MedGen C0027672, MeSH D009386, MONDO:0015356.

Submission:

Ambry Genetics
Classification: Uncertain significance for Hereditary cancer-predisposing syndrome. Last evaluated: 2026-07-07. Review status: criteria provided, single submitter. Criteria: Ambry Variant Classification Scheme 2023. Collection method: clinical testing. Allele origin: germline.
Comment: The p.A1181D variant (also known as c.3542C>A), located in coding exon 28 of the EGFR gene, results from a C to A substitution at nucleotide position 3542. The alanine at codon 1181 is replaced by aspartic acid, an amino acid with dissimilar properties. This amino acid position is conserved. In addition, this alteration is predicted to be tolerated by in silico analysis. Based on the available evidence, the clinical significance of this variant remains unclear.